The following is an entry in ClinVar:

NM_006421.5(ARFGEF1):c.1034G>A (p.Gly345Glu)

Gene: ARFGEF1 (ARF guanine nucleotide exchange factor 1; minus strand). Cytogenetic location: 8q13.2.
Variant type: single nucleotide variant.
Coding change: c.1034G>A on transcript NM_006421.5 (MANE Select); coding-DNA position 1034, G replaced by A.
Protein change: p.Gly345Glu; replaces glycine 345 with glutamic acid.
Molecular consequence: missense variant. On other transcripts: non-coding transcript variant (1), intron variant (1).
Genome position (GRCh38, 1-based): chr8:67,277,451, C>T on the plus strand (G>A on the coding strand, the complement: ARFGEF1 is on the minus strand). VCF-style: chr8-67277451-C-T. GRCh37 (hg19) VCF-style: chr8-68189686-C-T.
Other names: c.1034G>A, p.Gly345Glu (NM_001413184.1, NM_001413185.1, NM_001413186.1 and 7 more transcripts); c.434G>A, p.Gly145Glu (NM_001413188.1, NM_001413193.1, NM_001413197.1); c.-88-5515G>A (NM_001413196.1); short protein forms G145E, G345E.
Identifiers: ClinVar variation 4823146 (VCV004823146.4).

ClinVar aggregate classification (germline): Uncertain significance (1 of 4 stars; one submission).

Submission:

CeGaT Center for Human Genetics Tuebingen
Classification: Uncertain significance. Last evaluated: 2026-01-01. Review status: criteria provided, single submitter. Criteria: CeGaT Center For Human Genetics Tuebingen Variant Classification Criteria Version 2. Collection method: clinical testing. Allele origin: germline. Affected: yes. Observed: 1 variant allele.
Comment: ARFGEF1: PM2, BP4